The following is an entry in ClinVar:

ClinVar aggregate classification (germline): Uncertain significance. Review status: criteria provided, multiple submitters, no conflicts (2 of 4 stars). 5 submissions from 5 submitters: Uncertain significance (5). Last evaluated 2025-07-30.

Conditions:
Classic or attenuated familial adenomatous polyposis. Identifiers: MedGen CN372698, MONDO:0021057.
Hereditary cancer-predisposing syndrome. Also called: Hereditary neoplastic syndrome; Tumor predisposition; Hereditary Cancer Syndrome; Neoplastic Syndromes, Hereditary. Identifiers: Orphanet 140162, MedGen C0027672, MeSH D009386, MONDO:0015356.
Familial adenomatous polyposis 1 (FAP1). Also called: FAMILIAL ADENOMATOUS POLYPOSIS 1, ATTENUATED; POLYPOSIS, ADENOMATOUS INTESTINAL. Identifiers: MedGen C2713442, MONDO:0021056, OMIM 175100. Disease mechanism: loss of function.

Allele frequency attached by ClinVar (database versions not stated): gnomAD exomes below 0.00001; gnomAD 0.00001; TOPMed 0.00001.
gnomAD v4.1: 5 of 1,614,046 alleles (0.00031%); highest among the groups gnomAD compares: Non-Finnish European, 0.00042%; no homozygotes.

Submissions (5):

Labcorp Genetics (formerly Invitae), Labcorp
Classification: Uncertain significance for Familial adenomatous polyposis 1. Last evaluated: 2025-07-30. Review status: criteria provided, single submitter. Criteria: Invitae Variant Classification Sherloc (09022015). Collection method: clinical testing. Allele origin: germline.
Comment: This sequence change replaces phenylalanine, which is neutral and non-polar, with leucine, which is neutral and non-polar, at codon 1093 of the APC protein (p.Phe1093Leu). This variant is present in population databases (rs199539973, gnomAD 0.002%). This variant has not been reported in the literature in individuals affected with APC-related conditions. ClinVar contains an entry for this variant (Variation ID: 220262). Invitae Evidence Modeling of protein sequence and biophysical properties (such as structural, functional, and spatial information, amino acid conservation, physicochemical variation, residue mobility, and thermodynamic stability) indicates that this missense variant is not expected to disrupt APC protein function with a negative predictive value of 95%. In summary, the available evidence is currently insufficient to determine the role of this variant in disease. Therefore, it has been classified as a Variant of Uncertain Significance.

Ambry Genetics
Classification: Uncertain significance for Hereditary cancer-predisposing syndrome. Last evaluated: 2024-06-06. Review status: criteria provided, single submitter. Criteria: Ambry Variant Classification Scheme 2023. Collection method: clinical testing. Allele origin: germline.
Comment: The p.F1093L variant (also known as c.3279T>G), located in coding exon 15 of the APC gene, results from a T to G substitution at nucleotide position 3279. The phenylalanine at codon 1093 is replaced by leucine, an amino acid with highly similar properties. This amino acid position is highly conserved in available vertebrate species. In addition, in silico predictors for this gene do not accurately predict pathogenicity. Since supporting evidence is limited at this time, the clinical significance of this alteration remains unclear.

All of Us Research Program, National Institutes of Health
Classification: Uncertain significance for Classic or attenuated familial adenomatous polyposis. Last evaluated: 2024-03-05. Review status: criteria provided, single submitter. Criteria: ACMG Guidelines, 2015. Collection method: clinical testing. Allele origin: germline. Inheritance: Autosomal dominant inheritance. Observed: 1 variant allele, 1 heterozygote.
Comment: This missense variant replaces phenylalanine with leucine at codon 1093 of the APC protein. Computational prediction suggests that this variant may not impact protein structure and function (internally defined REVEL score threshold <= 0.5, PMID: 27666373). Splice site prediction tools suggest that this variant may not impact RNA splicing. To our knowledge, functional studies have not been performed for this variant. This variant has not been reported in individuals affected with hereditary cancer in the literature. This variant has been identified in 2/281736 chromosomes in the general population by the Genome Aggregation Database (gnomAD). The available evidence is insufficient to determine the role of this variant in disease conclusively. Therefore, this variant is classified as a Variant of Uncertain Significance.

This study involves interpretation of variants in research participants for the purpose of population health screening. Participant phenotype was not available at the time of variant classification. Additional details can be found in publication PMID: 35346344, PMCID: PMC8962531

Color Diagnostics, LLC DBA Color Health
Classification: Uncertain significance for Hereditary cancer-predisposing syndrome. Last evaluated: 2020-01-15. Review status: criteria provided, single submitter. Criteria: ACMG Guidelines, 2015. Collection method: clinical testing. Allele origin: germline.
Comment: This missense variant replaces phenylalanine with leucine at codon 1093 of the APC protein. Computational prediction suggests that this variant may not impact protein structure and function (internally defined REVEL score threshold <= 0.5, PMID: 27666373). Splice site prediction tools suggest that this variant may not impact RNA splicing. To our knowledge, functional studies have not been performed for this variant. This variant has not been reported in individuals affected with hereditary cancer in the literature. This variant has been identified in 2/281736 chromosomes in the general population by the Genome Aggregation Database (gnomAD). The available evidence is insufficient to determine the role of this variant in disease conclusively. Therefore, this variant is classified as a Variant of Uncertain Significance.

ARUP Laboratories, Molecular Genetics and Genomics, ARUP Laboratories
Classification: Uncertain significance. Last evaluated: 2016-09-30. Review status: criteria provided, single submitter. Criteria: ARUP Molecular Germline Variant Investigation Process. Collection method: clinical testing. Allele origin: germline.

NM_000038.6(APC):c.3279T>G (p.Phe1093Leu)

Gene: APC (APC regulator of Wnt signaling pathway; plus strand). Cytogenetic location: 5q22.2.
Variant type: single nucleotide variant.
Coding change: c.3279T>G on transcript NM_000038.6 (MANE Select); coding-DNA position 3279, T replaced by G.
Protein change: p.Phe1093Leu; replaces phenylalanine 1093 with leucine.
Molecular consequence: missense variant.
Genome position (GRCh38, 1-based): chr5:112,838,873, T>G. VCF-style: chr5-112838873-T-G. GRCh37 (hg19) VCF-style: chr5-112174570-T-G.
Other names: c.3279T>G, p.Phe1093Leu (NM_001127510.3, NM_001354895.2); c.3225T>G, p.Phe1075Leu (NM_001127511.3); c.3333T>G, p.Phe1111Leu (NM_001354896.2); c.3309T>G, p.Phe1103Leu (NM_001354897.2); c.3204T>G, p.Phe1068Leu (NM_001354898.2); c.3195T>G, p.Phe1065Leu (NM_001354899.2); c.3156T>G, p.Phe1052Leu (NM_001354900.2); c.3102T>G, p.Phe1034Leu (NM_001354901.2); and 5 more; short protein forms F1075L, F1093L, F1065L, F1002L, F1111L, F933L, F1052L, F810L.
Identifiers: ClinVar variation 220262 (VCV000220262.26), dbSNP rs199539973, ClinGen allele CA350548.